The following is an entry in ClinVar:

NM_000540.3(RYR1):c.9522C>T (p.Ser3174=)

Gene: RYR1 (ryanodine receptor 1; plus strand). Cytogenetic location: 19q13.2.
Variant type: single nucleotide variant.
Coding change: c.9522C>T on transcript NM_000540.3 (MANE Select); coding-DNA position 9522, C replaced by T.
Protein change: p.Ser3174=; no amino-acid change (serine 3174 retained).
Molecular consequence: synonymous variant.
Genome position (GRCh38, 1-based): chr19:38,515,075, C>T. VCF-style: chr19-38515075-C-T. GRCh37 (hg19) VCF-style: chr19-39005715-C-T.
Other names: c.9522C>T, p.Ser3174= (NM_001042723.2).
Identifiers: ClinVar variation 1105353 (VCV001105353.11), dbSNP rs1232228230, ClinGen allele CA084679.
Genomic context (GRCh38, chr19:38,515,075, plus strand): 5'-GTCTCCCTCAGTGGACGACGTCCAGGTCTCTTGCTACCGAACGCTGTGCAGTATCTACTC[C>T]CTGGGAACCACCAAGAACACTTATGTGGAAAAGTAAGGAGAGGGAGCCATCGTTTGGGGC-3'
Protein context (NP_000531.2, residues 3164-3184): SCYRTLCSIY[Ser3174=]LGTTKNTYVE

ClinVar aggregate classification (germline): Likely benign. Review status: criteria provided, multiple submitters, no conflicts (2 of 4 stars). 4 submissions from 4 submitters: Likely benign (4). Last evaluated 2023-12-01.

Conditions:
RYR1-related disorder. Also called: RYR1-related condition; RYR1-related disorders. Identifiers: MedGen CN239331.
Malignant hyperthermia, susceptibility to, 1 (MHS1). Also called: Malignant hyperthermia suceptibility 1; Anesthesia related hyperthermia; Malignant hyperpyrexia; Fulminating hyperpyrexia; Pharmacogenic myopathy; RYR1-Related Malignant Hyperthermia Susceptibility. Identifiers: Orphanet 423, MedGen C2930980, MONDO:0007783, OMIM 145600.

Allele frequency attached by ClinVar (database versions not stated): TOPMed below 0.00001; gnomAD 0.00001.
gnomAD v4.1: 23 of 1,613,566 alleles (0.0014%); highest among the groups gnomAD compares: Non-Finnish European, 0.0019%; no homozygotes.

Submissions (4):

All of Us Research Program, National Institutes of Health
Classification: Likely benign for Malignant hyperthermia, susceptibility to, 1. Last evaluated: 2023-12-01. Review status: criteria provided, single submitter. Criteria: ACMG Guidelines, 2015. Collection method: clinical testing. Allele origin: germline. Inheritance: Autosomal dominant inheritance. Observed: 3 variant alleles, 3 heterozygotes.
Comment: This study involves interpretation of variants in research participants for the purpose of population health screening. Participant phenotype was not available at the time of variant classification. Additional details can be found in publication PMID: 35346344, PMCID: PMC8962531

Labcorp Genetics (formerly Invitae), Labcorp
Classification: Likely benign for RYR1-related disorder. Last evaluated: 2023-04-15. Review status: criteria provided, single submitter. Criteria: Invitae Variant Classification Sherloc (09022015). Collection method: clinical testing. Allele origin: germline.

Blueprint Genetics
Classification: Likely benign. Last evaluated: 2023-02-28. Review status: criteria provided, single submitter. Criteria: ACMG Guidelines, 2015. Collection method: clinical testing. Allele origin: germline.

Color Diagnostics, LLC DBA Color Health
Classification: Likely benign for Malignant hyperthermia, susceptibility to, 1. Last evaluated: 2022-11-06. Review status: criteria provided, single submitter. Criteria: ACMG Guidelines, 2015. Collection method: clinical testing. Allele origin: germline.